The following is an entry in ClinVar:

NM_002109.6(HARS1):c.1459-1G>C

Gene: HARS1 (histidyl-tRNA synthetase 1; minus strand). Cytogenetic location: 5q31.3.
Variant type: single nucleotide variant.
Coding change: c.1459-1G>C on transcript NM_002109.6 (MANE Select); the canonical splice acceptor site of the intron before coding-DNA position 1459, G replaced by C.
Molecular consequence: splice acceptor variant.
Genome position (GRCh38, 1-based): chr5:140,674,329, C>G on the plus strand (G>C on the coding strand, the complement: HARS1 is on the minus strand). VCF-style: chr5-140674329-C-G. GRCh37 (hg19) VCF-style: chr5-140053914-C-G.
Other names: c.1372-1G>C (NM_001289094.2); c.1117-1G>C (NM_001289093.2); c.1279-1G>C (NM_001258042.3); c.1339-1G>C (NM_001258040.3); c.1237-1G>C (NM_001289092.2); c.1399-1G>C (NM_001258041.3).
Identifiers: ClinVar variation 3632185 (VCV003632185.2), dbSNP rs1300317175.
Genomic context (GRCh38, chr5:140,674,329, plus strand): 5'-GAGGGGCTGGCCTGTTCTCCTTTTGATTTCCTCCACAAGGTCTTCTCTTCGGACATCCAC[C>G]TGGCCAGGATGGGAGAAGAAGGTGGTATAAGCATCTTCCATTCCACTGCTCCCCGAGTGC-3'

ClinVar aggregate classification (germline): Uncertain significance (1 of 4 stars; one submission).

Conditions:
Usher syndrome type 3B. Also called: USHER SYNDROME, TYPE IIIB. Identifiers: MedGen C3281066, MONDO:0013788, OMIM 614504.

Allele frequency attached by ClinVar (database versions not stated): gnomAD exomes below 0.00001.

Submission:

Labcorp Genetics (formerly Invitae), Labcorp
Classification: Uncertain significance for Usher syndrome type 3B. Last evaluated: 2024-01-29. Review status: criteria provided, single submitter. Criteria: Invitae Variant Classification Sherloc (09022015). Collection method: clinical testing. Allele origin: germline.
Comment: This sequence change falls in intron 12 of the HARS gene. It does not directly change the encoded amino acid sequence of the HARS protein. It affects a nucleotide within the consensus splice site. This variant is present in population databases (no rsID available, gnomAD 0.0009%). This variant has not been reported in the literature in individuals affected with HARS-related conditions. Variants that disrupt the consensus splice site are a relatively common cause of aberrant splicing (PMID: 17576681, 9536098). Algorithms developed to predict the effect of sequence changes on RNA splicing suggest that this variant may disrupt the consensus splice site. In summary, the available evidence is currently insufficient to determine the role of this variant in disease. Therefore, it has been classified as a Variant of Uncertain Significance.

Literature cited by the submitters: PubMed 17576681; PubMed 9536098.